The following is an entry in ClinVar:

NM_000051.4(ATM):c.8941C>A (p.His2981Asn)

Genes: ATM (ATM serine/threonine kinase; plus strand), C11orf65 (chromosome 11 open reading frame 65; minus strand). Cytogenetic location: 11q22.3.
Variant type: single nucleotide variant.
Coding change: c.8941C>A on transcript NM_000051.4 (MANE Select); coding-DNA position 8941, C replaced by A.
Protein change: p.His2981Asn; replaces histidine 2981 with asparagine.
Molecular consequence: missense variant. On other transcripts: intron variant (2).
Genome position (GRCh38, 1-based): chr11:108,365,172, C>A. VCF-style: chr11-108365172-C-A. GRCh37 (hg19) VCF-style: chr11-108235899-C-A.
Other names: c.8941C>A, p.His2981Asn (NM_001351834.2); c.640+20748G>T (NM_001330368.2); c.694+20748G>T (NM_001351110.2); short protein forms H2981N.
Identifiers: ClinVar variation 973347 (VCV000973347.3), dbSNP rs1555151422, ClinGen allele CA382530114.

ClinVar aggregate classification (germline): Uncertain significance (1 of 4 stars; one submission).

Conditions:
Hereditary breast ovarian cancer syndrome. Also called: Hereditary breast and ovarian cancer; Hereditary breast and ovarian cancer syndrome (HBOC); Hereditary breast and/or ovarian cancer syndrome; Hereditary breast and ovarian cancer syndrome; Breast and ovarian cancer; BRCA1- and BRCA2-Associated Hereditary Breast and Ovarian Cancer. Identifiers: Orphanet 145, MedGen C0677776, MeSH D061325, MONDO:0003582. Disease mechanism: loss of function.

Submission:

Pittsburgh Clinical Genomics Laboratory, University of Pittsburgh Medical Center
Classification: Uncertain significance for Hereditary Breast and Ovarian Cancer Syndrome. Last evaluated: 2018-05-21. Review status: criteria provided, single submitter. Criteria: ACMG Guidelines, 2015. Collection method: clinical testing. Allele origin: germline. Affected: no. Observed: 1 variant allele.
Comment: This sequence variant is a single nucleotide substitution (C>A) that results in a histidine to asparagine amino acid change at residue 2981 in the ATM protein. This variant has not, to our knowledge, been observed in literature reports. It is also absent from the ExAC and gnomAD population databases. The His2981 residue is not located in a domain known to be critical for ATM function. Multiple in-silico tools predict that this change will have a neutral effect on the resulting protein. Additionally, this amino acid is not well conserved among mammals; several species, including the elephant, manatee, aardvark, and several marsupials have asparagine in place of histidine for the equivalent amino acid position. This variant does not have an entry in ClinVar. Given the lack of information on this particular variant at this time, we consider it to be a variant of uncertain significance.